The following is an entry in ClinVar:

ClinVar aggregate classification (germline): Conflicting classifications of pathogenicity. Review status: criteria provided, conflicting classifications (1 of 4 stars). 5 submissions from 5 submitters: Uncertain significance (3); Likely benign (1). 1 of the submissions does not count toward it. Last evaluated 2024-06-04.

Conditions:
Oculotrichoanal syndrome (MOTA). Also called: MARLES SYNDROME; Manitoba Oculotrichoanal (MOTA) Syndrome. Identifiers: Orphanet 2717, MedGen C1855425, MONDO:0009560, OMIM 248450.
Inborn genetic diseases. Identifiers: MedGen C0950123, MeSH D030342.
Trigonocephaly 2 (TRIGNO2). Identifiers: Orphanet 3366, MedGen C3280974, MONDO:0013774, OMIM 614485.
BNAR syndrome. Also called: Bifid Nose With or Without Anorectal and Renal Anomalies (BNAR) Syndrome. Identifiers: Orphanet 217266, MedGen C2750433, MONDO:0012165, OMIM 608980.

Allele frequency attached by ClinVar (database versions not stated): gnomAD 0.00009; gnomAD exomes 0.00013 and 0.00006; TOPMed 0.00007; ExAC 0.00008.
gnomAD v4.1: 108 of 1,609,468 alleles (0.0067%); highest among the groups gnomAD compares: Non-Finnish European, 0.0014%; 1 homozygote.

Submissions (5):

Labcorp Genetics (formerly Invitae), Labcorp
Classification: Likely benign. Last evaluated: 2024-06-04. Review status: criteria provided, single submitter. Criteria: Invitae Variant Classification Sherloc (09022015). Collection method: clinical testing. Allele origin: germline.

Fulgent Genetics
Classification: Uncertain significance for Oculotrichoanal syndrome; BNAR syndrome; Trigonocephaly 2. Last evaluated: 2024-04-10. Review status: criteria provided, single submitter. Criteria: ACMG Guidelines, 2015. Collection method: clinical testing. Allele origin: germline.

Ambry Genetics
Classification: Uncertain significance for Inborn genetic diseases. Last evaluated: 2023-11-06. Review status: criteria provided, single submitter. Criteria: Ambry Variant Classification Scheme 2023. Collection method: clinical testing. Allele origin: germline.

Illumina Laboratory Services, Illumina
Classification: Uncertain significance for Oculotrichoanal syndrome. Last evaluated: 2018-01-12. Review status: criteria provided, single submitter. Criteria: ICSL Variant Classification Criteria 13 December 2019. Collection method: clinical testing. Allele origin: germline.

Department of Pathology and Laboratory Medicine, Sinai Health System
Classification: Uncertain significance. Review status: no assertion criteria provided. Collection method: clinical testing. Allele origin: unknown. Affected: yes. Study: The Canadian Open Genetics Repository (COGR). Not counted in ClinVar's aggregate classification.
Comment: The FREM1 p.Ala1518Ser variant was not identified in the literature but was identified in dbSNP (ID: rs775792241) and ClinVar (classified as uncertain significance by Illumina for Manitoba Oculotrichoanal Syndrome). The variant was identified in control databases in 32 of 245428 chromosomes at a frequency of 0.0001304 (Genome Aggregation Database March 6, 2019, v2.1.1). The variant was observed in the following populations: Ashkenazi Jewish in 31 of 9676 chromosomes (freq: 0.003204) and Other in 1 of 5952 chromosomes (freq: 0.000168), but was not observed in the African, Latino, East Asian, European (Finnish), European (non-Finnish), or South Asian populations. The p.Ala1518 residue is not conserved in mammals and computational analyses (PolyPhen-2, SIFT, AlignGVGD, BLOSUM, MutationTaster) do not suggest a high likelihood of impact to the protein; however, this information is not predictive enough to rule out pathogenicity. The variant occurs outside of the splicing consensus sequence and in silico or computational prediction software programs (SpliceSiteFinder, MaxEntScan, NNSPLICE, GeneSplicer) do not predict a difference in splicing. In summary, based on the above information the clinical significance of this variant cannot be determined with certainty at this time. This variant is classified as a variant of uncertain significance.

NM_001379081.2(FREM1):c.4552G>T (p.Ala1518Ser)

Gene: FREM1 (FRAS1 related extracellular matrix 1; minus strand). Cytogenetic location: 9p22.3.
Variant type: single nucleotide variant.
Coding change: c.4552G>T on transcript NM_001379081.2 (MANE Select); coding-DNA position 4552, G replaced by T.
Protein change: p.Ala1518Ser; replaces alanine 1518 with serine.
Molecular consequence: missense variant. On other transcripts: non-coding transcript variant (2).
Genome position (GRCh38, 1-based): chr9:14,776,094, C>A on the plus strand (G>T on the coding strand, the complement: FREM1 is on the minus strand). VCF-style: chr9-14776094-C-A. GRCh37 (hg19) VCF-style: chr9-14776092-C-A.
Other names: c.160G>T, p.Ala54Ser (NM_001177704.3, NM_001370058.2, NM_001370061.2); c.4552G>T, p.Ala1518Ser (NM_144966.7); short protein forms A1518S, A54S.
Identifiers: ClinVar variation 366120 (VCV000366120.11), dbSNP rs775792241, ClinGen allele CA4990134.